The following is an entry in ClinVar:

NM_005458.8(GABBR2):c.643C>A (p.Leu215Met)

Genes: GABBR2 (gamma-aminobutyric acid type B receptor subunit 2; minus strand), LOC126860700 (CDK7 strongly-dependent group 2 enhancer GRCh37_chr9:101257622-101258821; plus strand). Cytogenetic location: 9q22.33.
Variant type: single nucleotide variant.
Coding change: c.643C>A on transcript NM_005458.8 (MANE Select); coding-DNA position 643, C replaced by A.
Protein change: p.Leu215Met; replaces leucine 215 with methionine.
Molecular consequence: missense variant.
Genome position (GRCh38, 1-based): chr9:98,496,502, G>T on the plus strand (C>A on the coding strand, the complement: GABBR2 is on the minus strand). VCF-style: chr9-98496502-G-T. GRCh37 (hg19) VCF-style: chr9-101258784-G-T.
Other names: short protein forms L215M.
Identifiers: ClinVar variation 2762149 (VCV002762149.3), dbSNP rs1236505413, ClinGen allele CA374349367.

ClinVar aggregate classification (germline): Uncertain significance (1 of 4 stars; one submission).

Conditions:
Epileptic encephalopathy. Identifiers: MedGen C0543888, HP:0200134.

Submission:

Labcorp Genetics (formerly Invitae), Labcorp
Classification: Uncertain significance for Epileptic encephalopathy. Last evaluated: 2023-09-20. Review status: criteria provided, single submitter. Criteria: Invitae Variant Classification Sherloc (09022015). Collection method: clinical testing. Allele origin: germline.
Comment: This sequence change replaces leucine, which is neutral and non-polar, with methionine, which is neutral and non-polar, at codon 215 of the GABBR2 protein (p.Leu215Met). This variant is not present in population databases (gnomAD no frequency). This variant has not been reported in the literature in individuals affected with GABBR2-related conditions. Advanced modeling of protein sequence and biophysical properties (such as structural, functional, and spatial information, amino acid conservation, physicochemical variation, residue mobility, and thermodynamic stability) performed at Invitae indicates that this missense variant is not expected to disrupt GABBR2 protein function. In summary, the available evidence is currently insufficient to determine the role of this variant in disease. Therefore, it has been classified as a Variant of Uncertain Significance.